The following is an entry in ClinVar:

ClinVar aggregate classification (germline): Uncertain significance (1 of 4 stars; one submission).

Submission:

GeneDx
Classification: Uncertain significance. Last evaluated: 2025-07-15. Review status: criteria provided, single submitter. Criteria: GeneDx Variant Classification Process June 2021. Collection method: clinical testing. Allele origin: germline. Affected: yes.
Comment: Has not been previously published as pathogenic or benign to our knowledge; Not observed at significant frequency in large population cohorts (gnomAD); In silico analysis suggests that this missense variant does not alter protein structure/function

NM_017671.5(FERMT1):c.602C>T (p.Ser201Phe)

Gene: FERMT1 (FERM domain containing kindlin 1; minus strand). Cytogenetic location: 20p12.3.
Variant type: single nucleotide variant.
Coding change: c.602C>T on transcript NM_017671.5 (MANE Select); coding-DNA position 602, C replaced by T.
Protein change: p.Ser201Phe; replaces serine 201 with phenylalanine.
Molecular consequence: missense variant.
Genome position (GRCh38, 1-based): chr20:6,110,442, G>A on the plus strand (C>T on the coding strand, the complement: FERMT1 is on the minus strand). VCF-style: chr20-6110442-G-A. GRCh37 (hg19) VCF-style: chr20-6091089-G-A.
Other names: short protein forms S201F.
Identifiers: ClinVar variation 4686457 (VCV004686457.1).
Genomic context (GRCh38, chr20:6,110,442, plus strand): 5'-AATGCGAGGATGCTGCAGTTTTGTTCCGTCAAAGGGCTGTCACTGAACCAAGTCATGGTG[G>A]ATGATGCTGGTGTTCCATTGATGGGGTCATATATAGGGGTCATGGTTTTACTGTATAAAC-3'
Protein context (NP_060141.3, residues 191-211): YDPINGTPAS[Ser201Phe]TMTWFSDSPL